The following is an entry in ClinVar:

NM_003816.3(ADAM9):c.1790G>T (p.Gly597Val)

Gene: ADAM9 (ADAM metallopeptidase domain 9; plus strand). Cytogenetic location: 8p11.22.
Variant type: single nucleotide variant.
Coding change: c.1790G>T on transcript NM_003816.3 (MANE Select); coding-DNA position 1790, G replaced by T.
Protein change: p.Gly597Val; replaces glycine 597 with valine.
Molecular consequence: missense variant. On other transcripts: non-coding transcript variant (3).
Genome position (GRCh38, 1-based): chr8:39,077,320, G>T. VCF-style: chr8-39077320-G-T. GRCh37 (hg19) VCF-style: chr8-38934839-G-T.
Other names: c.1790G>T (NM_003816.2); short protein forms G597V.
Identifiers: ClinVar variation 2160555 (VCV002160555.3), dbSNP rs752156555, ClinGen allele CA4721724.

ClinVar aggregate classification (germline): Uncertain significance. Review status: criteria provided, multiple submitters, no conflicts (2 of 4 stars). 3 submissions from 3 submitters: Uncertain significance (3). Last evaluated 2022-08-17.

Conditions:
Inborn genetic diseases. Identifiers: MedGen C0950123, MeSH D030342.

Allele frequency attached by ClinVar (database versions not stated): TOPMed 0.00002.
gnomAD v4.1: 42 of 1,613,990 alleles (0.0026%); highest among the groups gnomAD compares: Non-Finnish European, 0.0028%; no homozygotes.

Submissions (3):

Ambry Genetics
Classification: Uncertain significance for Inborn genetic diseases. Last evaluated: 2022-08-17. Review status: criteria provided, single submitter. Criteria: Ambry Variant Classification Scheme 2023. Collection method: clinical testing. Allele origin: germline.

Labcorp Genetics (formerly Invitae), Labcorp
Classification: Uncertain significance. Last evaluated: 2022-05-17. Review status: criteria provided, single submitter. Criteria: Invitae Variant Classification Sherloc (09022015). Collection method: clinical testing. Allele origin: germline.
Comment: This sequence change replaces glycine, which is neutral and non-polar, with valine, which is neutral and non-polar, at codon 597 of the ADAM9 protein (p.Gly597Val). This variant is present in population databases (rs752156555, gnomAD 0.008%). This variant has not been reported in the literature in individuals affected with ADAM9-related conditions. Algorithms developed to predict the effect of missense changes on protein structure and function (SIFT, PolyPhen-2, Align-GVGD) all suggest that this variant is likely to be disruptive. In summary, the available evidence is currently insufficient to determine the role of this variant in disease. Therefore, it has been classified as a Variant of Uncertain Significance.

Blueprint Genetics
Classification: Uncertain significance. Last evaluated: 2019-12-30. Review status: criteria provided, single submitter. Criteria: ACMG Guidelines, 2015. Collection method: clinical testing. Allele origin: germline.